The following is an entry in ClinVar:

NM_006031.6(PCNT):c.1942C>T (p.Pro648Ser)

Gene: PCNT (pericentrin; plus strand). Cytogenetic location: 21q22.3.
Variant type: single nucleotide variant.
Coding change: c.1942C>T on transcript NM_006031.6 (MANE Select); coding-DNA position 1942, C replaced by T.
Protein change: p.Pro648Ser; replaces proline 648 with serine.
Molecular consequence: missense variant.
Genome position (GRCh38, 1-based): chr21:46,356,979, C>T. VCF-style: chr21-46356979-C-T. GRCh37 (hg19) VCF-style: chr21-47776894-C-T.
Other names: c.1588C>T, p.Pro530Ser (NM_001315529.2); short protein forms P530S, P648S.
Identifiers: ClinVar variation 3036421 (VCV003036421.2), dbSNP rs774048495, ClinGen allele CA10078839.

ClinVar aggregate classification (germline): Uncertain significance (0 of 4 stars; one submission).

Conditions:
PCNT-related disorder. Also called: PCNT-related condition.

Allele frequency attached by ClinVar (database versions not stated): gnomAD 0.00001; ExAC 0.00002.
gnomAD v4.1: 7 of 1,613,780 alleles (0.00043%); highest among the groups gnomAD compares: Non-Finnish European, 0.00051%; no homozygotes.

Submission:

PreventionGenetics, part of Exact Sciences
Classification: Uncertain significance for PCNT-related condition. Last evaluated: 2023-12-08. Review status: no assertion criteria provided. Collection method: clinical testing. Allele origin: germline.
Comment: The PCNT c.1942C>T variant is predicted to result in the amino acid substitution p.Pro648Ser. To our knowledge, this variant has not been reported in the literature. This variant is reported in 0.0031% of alleles in individuals of European (Non-Finnish) descent in gnomAD. At this time, the clinical significance of this variant is uncertain due to the absence of conclusive functional and genetic evidence.